The following is an entry in ClinVar:

NM_002234.4(KCNA5):c.148G>A (p.Ala50Thr)

Gene: KCNA5 (potassium voltage-gated channel subfamily A member 5; plus strand). Cytogenetic location: 12p13.32.
Variant type: single nucleotide variant.
Coding change: c.148G>A on transcript NM_002234.4 (MANE Select); coding-DNA position 148, G replaced by A.
Protein change: p.Ala50Thr; replaces alanine 50 with threonine.
Molecular consequence: missense variant.
Genome position (GRCh38, 1-based): chr12:5,044,295, G>A. VCF-style: chr12-5044295-G-A. GRCh37 (hg19) VCF-style: chr12-5153461-G-A.
Other names: short protein forms A50T.
Identifiers: ClinVar variation 2060926 (VCV002060926.4), dbSNP rs772036621, ClinGen allele CA383461991.
Genomic context (GRCh38, chr12:5,044,295, plus strand): 5'-ACAGGGGGAGAGCTCCAGTGTCCCCCGACGGCTGGGCTCAGCGATGGGCCCAAGGAGCCG[G>A]CGCCAAAGGGGCGCGGCGCGCAGAGAGACGCGGACTCGGGAGTGCGGCCCTTGCCTCCGC-3'
Protein context (NP_002225.2, residues 40-60): AGLSDGPKEP[Ala50Thr]PKGRGAQRDA

ClinVar aggregate classification (germline): Uncertain significance (1 of 4 stars; one submission).

Conditions:
Atrial fibrillation, familial, 7 (ATFB7). Identifiers: MedGen C2677106, MONDO:0012828, OMIM 612240.

gnomAD v4.1: 3 of 1,547,698 alleles (0.00019%); highest among the groups gnomAD compares: Middle Eastern, 0.037%; no homozygotes.

Submission:

Labcorp Genetics (formerly Invitae), Labcorp
Classification: Uncertain significance for Atrial fibrillation, familial, 7. Last evaluated: 2022-03-20. Review status: criteria provided, single submitter. Criteria: Invitae Variant Classification Sherloc (09022015). Collection method: clinical testing. Allele origin: germline.
Comment: This variant is present in population databases (no rsID available, gnomAD no frequency). This sequence change replaces alanine, which is neutral and non-polar, with threonine, which is neutral and polar, at codon 50 of the KCNA5 protein (p.Ala50Thr). This variant has not been reported in the literature in individuals affected with KCNA5-related conditions. Algorithms developed to predict the effect of missense changes on protein structure and function output the following: SIFT: "Tolerated"; PolyPhen-2: "Benign"; Align-GVGD: "Class C0". The threonine amino acid residue is found in multiple mammalian species, which suggests that this missense change does not adversely affect protein function. In summary, the available evidence is currently insufficient to determine the role of this variant in disease. Therefore, it has been classified as a Variant of Uncertain Significance.